The following is an entry in ClinVar:

ClinVar aggregate classification (germline): Uncertain significance (1 of 4 stars; one submission).

gnomAD v4.1: 6 of 1,569,286 alleles (0.00038%); highest among the groups gnomAD compares: South Asian, 0.0011%; no homozygotes.

Submission:

Ambry Genetics
Classification: Uncertain significance. Last evaluated: 2024-05-04. Review status: criteria provided, single submitter. Criteria: Ambry Variant Classification Scheme 2023. Collection method: clinical testing. Allele origin: germline.
Comment: The p.H213R variant (also known as c.638A>G), located in coding exon 7 of the FAM175A gene, results from an A to G substitution at nucleotide position 638. The histidine at codon 213 is replaced by arginine, an amino acid with highly similar properties. This amino acid position is conserved. In addition, this alteration is predicted to be tolerated by in silico analysis. Since supporting evidence is limited at this time, the clinical significance of this alteration remains unclear.

NM_139076.3(ABRAXAS1):c.638A>G (p.His213Arg)

Gene: ABRAXAS1 (abraxas 1, BRCA1 A complex subunit; minus strand). Cytogenetic location: 4q21.23.
Variant type: single nucleotide variant.
Coding change: c.638A>G on transcript NM_139076.3 (MANE Select); coding-DNA position 638, A replaced by G.
Protein change: p.His213Arg; replaces histidine 213 with arginine.
Molecular consequence: missense variant.
Genome position (GRCh38, 1-based): chr4:83,467,497, T>C on the plus strand (A>G on the coding strand, the complement: ABRAXAS1 is on the minus strand). VCF-style: chr4-83467497-T-C. GRCh37 (hg19) VCF-style: chr4-84388650-T-C.
Other names: c.311A>G, p.His104Arg (NM_001345962.2); short protein forms H104R, H213R.
Identifiers: ClinVar variation 1799588 (VCV001799588.3), dbSNP rs1376301070, ClinGen allele CA357258766.